The following is an entry in ClinVar:

NM_177438.3(DICER1):c.1510-5_1510-4dup

Gene: DICER1 (dicer 1, ribonuclease III; minus strand). Cytogenetic location: 14q32.13.
Variant type: Duplication.
Coding change: c.1510-5_1510-4dup on transcript NM_177438.3 (MANE Select); 5 bases into the intron before coding-DNA position 1510 through 4 bases into the intron before coding-DNA position 1510, 2 bases duplicated (TT; older notation c.1510-5_1510-4dupTT).
Molecular consequence: intron variant.
Genome position (GRCh38, 1-based): chr14:95,116,699-95,116,700, AA duplicated on the plus strand (TT on the coding strand, the reverse complement: DICER1 is on the minus strand); duplicating any 2 consecutive bases within chr14:95,116,699-95,116,708 gives the same sequence; the c. name uses the placement nearest the transcript's 3' end. VCF-style (leftmost placement, unchanged base first): chr14-95116698-G-GAA. GRCh37 (hg19) VCF-style: chr14-95583035-G-GAA.
Other names: c.1510-5_1510-4dupTT (NM_177438.2, NM_030621.4); c.1510-5_1510-4dup (NM_001291628.2, NM_030621.4, NM_001271282.3 and 1 more transcripts).
Identifiers: ClinVar variation 696580 (VCV000696580.16), dbSNP rs546524688, ClinGen allele CA7331457.
Genomic context (GRCh38, chr14:95,116,698, plus strand): 5'-CTACAATACTTGTTGCAATAAGCAGGTTGGTCTCATGTGCTCGAAATTTCCTAAGTACCT[G>GAA]AAAAAAAAAATCCACCAAGAAAAGCACTTCTAAGAAAATTTCTAAAATGAACAAAAAAAA-3'

ClinVar aggregate classification (germline): Benign/Likely benign. Review status: criteria provided, multiple submitters, no conflicts (2 of 4 stars). 4 submissions from 4 submitters: Benign (1); Likely benign (3). Last evaluated 2026-04-13.

Conditions:
Hereditary cancer-predisposing syndrome. Also called: Tumor predisposition; Hereditary neoplastic syndrome; Hereditary Cancer Syndrome; Neoplastic Syndromes, Hereditary. Identifiers: Orphanet 140162, MedGen C0027672, MeSH D009386, MONDO:0015356.
DICER1-related disorder. Also called: DICER1-related condition.
DICER1-related tumor predisposition. Also called: DICER1 syndrome; DICER1-related pleuropulmonary blastoma cancer predisposition syndrome. Identifiers: Orphanet 284343, MedGen C3839822, MONDO:0100216.

Submissions (4):

Myriad Genetics, Inc.
Classification: Likely benign for DICER1-related tumor predisposition. Last evaluated: 2026-04-13. Review status: criteria provided, single submitter. Criteria: Myriad Autosomal Dominant, Autosomal Recessive and X-Linked Classification Criteria (2023). Collection method: clinical testing. Allele origin: unknown.
Comment: This variant is considered likely benign. This variant is intronic and is not expected to impact mRNA splicing.

Labcorp Genetics (formerly Invitae), Labcorp
Classification: Benign for DICER1-related tumor predisposition. Last evaluated: 2026-01-04. Review status: criteria provided, single submitter. Criteria: Invitae Variant Classification Sherloc (09022015). Collection method: clinical testing. Allele origin: germline.

PreventionGenetics, part of Exact Sciences
Classification: Likely benign for DICER1-related condition. Last evaluated: 2024-10-18. Review status: criteria provided, single submitter. Criteria: ACMG Guidelines, 2015. Collection method: clinical testing. Allele origin: germline.
Comment: This variant is classified as likely benign based on ACMG/AMP sequence variant interpretation guidelines (Richards et al. 2015 PMID: 25741868, with internal and published modifications).

Ambry Genetics
Classification: Likely benign for Hereditary cancer-predisposing syndrome. Last evaluated: 2022-03-15. Review status: criteria provided, single submitter. Criteria: Ambry Variant Classification Scheme 2023. Collection method: clinical testing. Allele origin: germline.